The following is an entry in ClinVar:

ClinVar aggregate classification (germline): Uncertain significance. Review status: criteria provided, multiple submitters, no conflicts (2 of 4 stars). 2 submissions from 2 submitters: Uncertain significance (2). Last evaluated 2024-10-22.

Allele frequency attached by ClinVar (database versions not stated): TOPMed below 0.00001; gnomAD 0.00001.

Submissions (2):

Labcorp Genetics (formerly Invitae), Labcorp
Classification: Uncertain significance. Last evaluated: 2024-10-22. Review status: criteria provided, single submitter. Criteria: Invitae Variant Classification Sherloc (09022015). Collection method: clinical testing. Allele origin: germline.
Comment: This sequence change replaces glycine, which is neutral and non-polar, with arginine, which is basic and polar, at codon 77 of the KMT2A protein (p.Gly77Arg). This variant is not present in population databases (gnomAD no frequency). This variant has not been reported in the literature in individuals affected with KMT2A-related conditions. ClinVar contains an entry for this variant (Variation ID: 1305569). Invitae Evidence Modeling of protein sequence and biophysical properties (such as structural, functional, and spatial information, amino acid conservation, physicochemical variation, residue mobility, and thermodynamic stability) indicates that this missense variant is not expected to disrupt KMT2A protein function with a negative predictive value of 95%. In summary, the available evidence is currently insufficient to determine the role of this variant in disease. Therefore, it has been classified as a Variant of Uncertain Significance.

GeneDx
Classification: Uncertain significance. Last evaluated: 2019-07-10. Review status: criteria provided, single submitter. Criteria: GeneDx Variant Classification Process June 2021. Collection method: clinical testing. Allele origin: germline. Affected: yes.
Comment: Not observed in large population cohorts (Lek et al., 2016); In silico analysis, which includes protein predictors and evolutionary conservation, supports that this variant does not alter protein structure/function; Has not been previously published as pathogenic or benign to our knowledge

NM_001197104.2(KMT2A):c.229G>A (p.Gly77Arg)

Gene: KMT2A (lysine methyltransferase 2A; plus strand). Cytogenetic location: 11q23.3.
Variant type: single nucleotide variant.
Coding change: c.229G>A on transcript NM_001197104.2 (MANE Select); coding-DNA position 229, G replaced by A.
Protein change: p.Gly77Arg; replaces glycine 77 with arginine.
Molecular consequence: missense variant.
Genome position (GRCh38, 1-based): chr11:118,436,741, G>A. VCF-style: chr11-118436741-G-A. GRCh37 (hg19) VCF-style: chr11-118307456-G-A.
Other names: c.229G>A, p.Gly77Arg (NM_005933.4); short protein forms G77R.
Identifiers: ClinVar variation 1305569 (VCV001305569.5), dbSNP rs1555138644, ClinGen allele CA382797700.